The following is an entry in ClinVar:

NM_014476.6(PDLIM3):c.703C>T (p.Arg235Trp)

Gene: PDLIM3 (PDZ and LIM domain 3; minus strand). Cytogenetic location: 4q35.1.
Variant type: single nucleotide variant.
Coding change: c.703C>T on transcript NM_014476.6 (MANE Select); coding-DNA position 703, C replaced by T.
Protein change: p.Arg235Trp; replaces arginine 235 with tryptophan.
Molecular consequence: missense variant. On other transcripts: non-coding transcript variant (1).
Genome position (GRCh38, 1-based): chr4:185,506,612, G>A on the plus strand (C>T on the coding strand, the complement: PDLIM3 is on the minus strand). VCF-style: chr4-185506612-G-A. GRCh37 (hg19) VCF-style: chr4-186427766-G-A.
Other names: c.559C>T, p.Arg187Trp (NM_001114107.5); c.439C>T, p.Arg147Trp (NM_001257962.2); c.202C>T, p.Arg68Trp (NM_001257963.2); short protein forms R147W, R187W, R235W, R68W.
Identifiers: ClinVar variation 2162448 (VCV002162448.4), dbSNP rs751273771, ClinGen allele CA3159719.

ClinVar aggregate classification (germline): Uncertain significance (1 of 4 stars; one submission).

Conditions:
Primary dilated cardiomyopathy (DCM). Also called: Dilated Cardiomyopathy. Identifiers: Orphanet 217604, MedGen C0007193, MeSH D002311, MONDO:0005021, HP:0001644. Inheritance: Various modes of inheritance.
Hypertrophic cardiomyopathy. Also called: HYPERTROPHIC MYOCARDIOPATHY. Identifiers: Orphanet 217569, MedGen C0007194, MeSH D002312, MONDO:0005045, HP:0001639.

Allele frequency attached by ClinVar (database versions not stated): gnomAD exomes below 0.00001; TOPMed 0.00001; ExAC 0.00002; gnomAD 0.00002.
gnomAD v4.1: 8 of 1,610,518 alleles (0.0005%); highest among the groups gnomAD compares: African/African-American, 0.0027%; no homozygotes.

Submission:

Labcorp Genetics (formerly Invitae), Labcorp
Classification: Uncertain significance for Hypertrophic cardiomyopathy; Primary dilated cardiomyopathy. Last evaluated: 2024-04-22. Review status: criteria provided, single submitter. Criteria: Invitae Variant Classification Sherloc (09022015). Collection method: clinical testing. Allele origin: germline.
Comment: This sequence change replaces arginine, which is basic and polar, with tryptophan, which is neutral and slightly polar, at codon 235 of the PDLIM3 protein (p.Arg235Trp). This variant is present in population databases (rs751273771, gnomAD 0.005%). This variant has not been reported in the literature in individuals affected with PDLIM3-related conditions. ClinVar contains an entry for this variant (Variation ID: 2162448). Advanced modeling of protein sequence and biophysical properties (such as structural, functional, and spatial information, amino acid conservation, physicochemical variation, residue mobility, and thermodynamic stability) performed at Invitae indicates that this missense variant is not expected to disrupt PDLIM3 protein function with a negative predictive value of 80%. In summary, the available evidence is currently insufficient to determine the role of this variant in disease. Therefore, it has been classified as a Variant of Uncertain Significance.